The following is an entry in ClinVar:

NM_000157.4(GBA1):c.494G>A (p.Cys165Tyr)

Genes: GBA1 (glucosylceramidase beta 1; minus strand), LOC106627981 (GBA recombination region; plus strand). Cytogenetic location: 1q22.
Variant type: single nucleotide variant.
Coding change: c.494G>A on transcript NM_000157.4 (MANE Select); coding-DNA position 494, G replaced by A.
Protein change: p.Cys165Tyr; replaces cysteine 165 with tyrosine.
Molecular consequence: missense variant.
Genome position (GRCh38, 1-based): chr1:155,238,611, C>T on the plus strand (G>A on the coding strand, the complement: GBA1 is on the minus strand). VCF-style: chr1-155238611-C-T. GRCh37 (hg19) VCF-style: chr1-155208402-C-T.
Other names: c.494G>A, p.Cys165Tyr (NM_001005741.3, NM_001005742.3); c.233G>A, p.Cys78Tyr (NM_001171811.2); c.347G>A, p.Cys116Tyr (NM_001171812.2); short protein forms C116Y, C165Y, C78Y.
Identifiers: ClinVar variation 4817771 (VCV004817771.1).

ClinVar aggregate classification (germline): Likely pathogenic (1 of 4 stars; one submission).

Conditions:
Gaucher disease. Also called: Acute cerebral Gaucher disease; Cerebroside lipidosis syndrome; Gaucher splenomegaly; Sphingolipidosis 1; Glucocerebrosidosis; Glucosylceramidase deficiency. Identifiers: Orphanet 355, MedGen C0017205, MONDO:0018150.

Submission:

Natera, Inc.
Classification: Likely pathogenic for Gaucher disease. Last evaluated: 2024-05-15. Review status: criteria provided, single submitter. Criteria: Natera Variant Classification Schema (03/2026). Collection method: clinical testing. Allele origin: germline.
Comment: The c.494G>A variant in GBA1 is a missense variant predicted to cause substitution of cysteine to tyrosine at amino acid 165. This variant is rare in the general population with a frequency below the threshold expected for the associated phenotype(s). This variant has been observed in one or more individuals affected with the associated recessive disease, as either homozygous or compound heterozygous with a second variant (PMID: 34134921). Computational prediction algorithms indicate this variant is likely to affect gene or protein function. Given the available evidence, this variant is classified as Likely Pathogenic.

Literature cited by the submitters: PubMed 34134921.